The following is an entry in ClinVar:

NM_001369.3(DNAH5):c.3275T>C (p.Ile1092Thr)

Genes: DNAH5 (dynein axonemal heavy chain 5; minus strand), DNAH5-AS1 (DNAH5 antisense RNA 1; plus strand). Cytogenetic location: 5p15.2.
Variant type: single nucleotide variant.
Coding change: c.3275T>C on transcript NM_001369.3 (MANE Select); coding-DNA position 3275, T replaced by C.
Protein change: p.Ile1092Thr; replaces isoleucine 1092 with threonine.
Molecular consequence: missense variant.
Genome position (GRCh38, 1-based): chr5:13,876,805, A>G on the plus strand (T>C on the coding strand, the complement: DNAH5 is on the minus strand). VCF-style: chr5-13876805-A-G. GRCh37 (hg19) VCF-style: chr5-13876914-A-G.
Other names: short protein forms I1092T.
Identifiers: ClinVar variation 2585428 (VCV002585428.1), dbSNP rs2547014381, ClinGen allele CA359190368.

ClinVar aggregate classification (germline): Uncertain significance. Review status: criteria provided, single submitter (1 of 4 stars). 2 submissions from 2 submitters: Uncertain significance (1). 1 of the submissions does not count toward it.

Conditions:
Primary ciliary dyskinesia. Also called: Ciliary dyskinesia. Identifiers: Orphanet 244, MedGen C0008780, MONDO:0016575, HP:0012265.
Primary ciliary dyskinesia 3. Identifiers: Orphanet 244, MedGen C1837618, MONDO:0012085, OMIM 608644.

Allele frequency attached by ClinVar (database versions not stated): gnomAD exomes below 0.00001.
gnomAD v4.1: 1 of 1,613,714 alleles (0.000062%); highest among the groups gnomAD compares: Non-Finnish European, 0.000085%; no homozygotes.

Submissions (2):

Neuberg Centre For Genomic Medicine, NCGM
Classification: Uncertain significance for Primary ciliary dyskinesia 3. Review status: criteria provided, single submitter. Criteria: ACMG Guidelines, 2015. Collection method: clinical testing. Allele origin: germline. Inheritance: Autosomal recessive inheritance. Affected: yes.
Comment: The missense variant in c.3275T>C (p.Ile1092Thr) in DNAH5 gene has not been reported previously as a pathogenic variant nor as a benign variant, to our knowledge. The p.Ile1092Thr variant is novel (not in any individuals) in gnomAD Exomes and 1000 Genomes. The amino acid Ile at position 1092 is changed to a Thr changing protein sequence and it might alter its composition and physico-chemical properties. In silico tools predict the variant to be tolerated. The residue is conserved across species. The amino acid change p.Ile1092Thr in DNAH5 is predicted as conserved by GERP++ and PhyloP across 100 vertebrates. For these reasons, this variant has been classified as Uncertain Significance.

Natera, Inc.
Classification: Uncertain significance for Primary ciliary dyskinesia. Last evaluated: 2025-04-21. Review status: no assertion criteria provided. Collection method: clinical testing. Allele origin: germline. Not counted in ClinVar's aggregate classification.